The following is an entry in ClinVar:

ClinVar aggregate classification (germline): Pathogenic (1 of 4 stars; one submission).

Conditions:
Hypertrophic cardiomyopathy. Also called: HYPERTROPHIC MYOCARDIOPATHY. Identifiers: Orphanet 217569, MedGen C0007194, MeSH D002312, MONDO:0005045, HP:0001639.

Submission:

Labcorp Genetics (formerly Invitae), Labcorp
Classification: Pathogenic for Hypertrophic cardiomyopathy. Last evaluated: 2018-06-23. Review status: criteria provided, single submitter. Criteria: Invitae Variant Classification Sherloc (09022015). Collection method: clinical testing. Allele origin: germline.
Comment: This sequence change creates a premature translational stop signal (p.Glu793Glyfs*40) in the MYBPC3 gene. It is expected to result in an absent or disrupted protein product. This variant is not present in population databases (ExAC no frequency). This variant has been observed in an individual affected with hypertrophic cardiomyopathy (PMID: 25351510). This variant is also known as c.2374_2375insG; p.W792fs in the literature. Loss-of-function variants in MYBPC3 are known to be pathogenic (PMID: 19574547). For these reasons, this variant has been classified as Pathogenic.

Literature cited by the submitters: PubMed 25351510; PubMed 19574547.

NM_000256.3(MYBPC3):c.2377dup (p.Glu793fs)

Gene: MYBPC3 (myosin binding protein C3; minus strand). Cytogenetic location: 11p11.2.
Variant type: Duplication.
Coding change: c.2377dup on transcript NM_000256.3 (MANE Select); coding-DNA position 2377, one base duplicated (G; older notation c.2377dupG).
Protein change: p.Glu793fs; shifts the reading frame from glutamic acid 793.
Molecular consequence: frameshift variant.
Genome position (GRCh38, 1-based): chr11:47,337,726, C duplicated on the plus strand (G on the coding strand, the reverse complement: MYBPC3 is on the minus strand); the first of 3 consecutive C bases (chr11:47,337,726-47,337,728); duplicating any one gives the same sequence. VCF-style (leftmost placement, unchanged base first): chr11-47337725-T-TC. GRCh37 (hg19) VCF-style: chr11-47359276-T-TC.
Other names: c.2377dup, p.Glu793fs (LRG_386t1); c.2377dupG (NM_000256.3); short protein forms E793fs.
Identifiers: ClinVar variation 580434 (VCV000580434.8), dbSNP rs1565625473, ClinGen allele CA891842473.